The following is an entry in ClinVar:

ClinVar aggregate classification (germline): Likely benign (0 of 4 stars; one submission).

Conditions:
KMT2D-related disorder. Also called: KMT2D-Related Disorders.

gnomAD v4.1: 2 of 1,613,726 alleles (0.00012%); highest among the groups gnomAD compares: South Asian, 0.0022%; no homozygotes.

Submission:

PreventionGenetics, part of Exact Sciences
Classification: Likely benign for KMT2D-related condition. Last evaluated: 2024-08-17. Review status: no assertion criteria provided. Collection method: clinical testing. Allele origin: germline.
Comment: This variant is classified as likely benign based on ACMG/AMP sequence variant interpretation guidelines (Richards et al. 2015 PMID: 25741868, with internal and published modifications).

NM_003482.4(KMT2D):c.13713C>A (p.Ala4571=)

Gene: KMT2D (lysine methyltransferase 2D; minus strand). Cytogenetic location: 12q13.12.
Variant type: single nucleotide variant.
Coding change: c.13713C>A on transcript NM_003482.4 (MANE Select); coding-DNA position 13713, C replaced by A.
Protein change: p.Ala4571=; no amino-acid change (alanine 4571 retained).
Molecular consequence: synonymous variant.
Genome position (GRCh38, 1-based): chr12:49,030,727, G>T on the plus strand (C>A on the coding strand, the complement: KMT2D is on the minus strand). VCF-style: chr12-49030727-G-T. GRCh37 (hg19) VCF-style: chr12-49424510-G-T.
Identifiers: ClinVar variation 3344021 (VCV003344021.1).